The following is an entry in ClinVar:

NM_201384.3(PLEC):c.9713C>A (p.Pro3238Gln)

Gene: PLEC (plectin; minus strand). Cytogenetic location: 8q24.3.
Variant type: single nucleotide variant.
Coding change: c.9713C>A on transcript NM_201384.3 (MANE Select); coding-DNA position 9713, C replaced by A.
Protein change: p.Pro3238Gln; replaces proline 3238 with glutamine.
Molecular consequence: missense variant.
Genome position (GRCh38, 1-based): chr8:143,920,108, G>T on the plus strand (C>A on the coding strand, the complement: PLEC is on the minus strand). VCF-style: chr8-143920108-G-T. GRCh37 (hg19) VCF-style: chr8-144994276-G-T.
Other names: c.9794C>A, p.Pro3265Gln (NM_000445.5); c.6413C>A, p.Pro2138Gln (NM_001410941.1); c.9671C>A, p.Pro3224Gln (NM_201378.4); c.9647C>A, p.Pro3216Gln (NM_201379.3); c.10124C>A, p.Pro3375Gln (NM_201380.4); c.9617C>A, p.Pro3206Gln (NM_201381.3); c.9713C>A, p.Pro3238Gln (NM_201382.4); c.9725C>A, p.Pro3242Gln (NM_201383.3); short protein forms P2138Q, P3206Q, P3216Q, P3224Q, P3238Q, P3242Q, P3265Q, P3375Q.
Identifiers: ClinVar variation 3750298 (VCV003750298.2).

ClinVar aggregate classification (germline): Uncertain significance (1 of 4 stars; one submission).

Conditions:
Epidermolysis bullosa simplex with nail dystrophy (EBS5D). Identifiers: MedGen C4225309, MONDO:0014661, OMIM 616487.
Autosomal recessive limb-girdle muscular dystrophy type 2Q (LGMDR17). Also called: MUSCULAR DYSTROPHY, LIMB-GIRDLE, AUTOSOMAL RECESSIVE 17. Identifiers: Orphanet 254361, MedGen C3150989, MONDO:0013390, OMIM 613723.
Epidermolysis bullosa simplex 5B, with muscular dystrophy (EBS5B). Also called: Epidermolysis bullosa simplex with muscular dystrophy; EPIDERMOLYSIS BULLOSA SIMPLEX AND LIMB-GIRDLE MUSCULAR DYSTROPHY. Identifiers: Orphanet 257, MedGen C2931072, MONDO:0009181, OMIM 226670.
Epidermolysis bullosa simplex 5C, with pyloric atresia (EBS5C). Also called: PLEC-Related Epidermolysis Bullosa with Pyloric Atresia; Epidermolysis bullosa simplex with pyloric atresia; PLEC1-Related Epidermolysis Bullosa with Pyloric Atresia. Identifiers: Orphanet 158684, MedGen C2677349, MONDO:0012807, OMIM 612138.
Epidermolysis bullosa simplex, Ogna type (EBS5A). Also called: Pidermolysis bullosa simplex 5A, Ogna type; EPIDERMOLYSIS BULLOSA SIMPLEX 5A, OGNA TYPE. Identifiers: Orphanet 79401, MedGen C0432317, MONDO:0007555, OMIM 131950.

Submission:

Labcorp Genetics (formerly Invitae), Labcorp
Classification: Uncertain significance for Autosomal recessive limb-girdle muscular dystrophy type 2Q; Epidermolysis bullosa simplex, Ogna type; Epidermolysis bullosa simplex with nail dystrophy; Epidermolysis bullosa simplex 5C, with pyloric atresia; Epidermolysis bullosa simplex 5B, with muscular dystrophy. Last evaluated: 2025-05-27. Review status: criteria provided, single submitter. Criteria: Invitae Variant Classification Sherloc (09022015). Collection method: clinical testing. Allele origin: germline.
Comment: This sequence change replaces proline, which is neutral and non-polar, with glutamine, which is neutral and polar, at codon 3265 of the PLEC protein (p.Pro3265Gln). This variant is not present in population databases (gnomAD no frequency). This variant has not been reported in the literature in individuals affected with PLEC-related conditions. ClinVar contains an entry for this variant (Variation ID: 3750298). An algorithm developed to predict the effect of missense changes on protein structure and function (PolyPhen-2) suggests that this variant is likely to be disruptive. In summary, the available evidence is currently insufficient to determine the role of this variant in disease. Therefore, it has been classified as a Variant of Uncertain Significance.